The following is an entry in ClinVar:

NM_004333.6(BRAF):c.664T>A (p.Leu222Met)

Gene: BRAF (B-Raf proto-oncogene, serine/threonine kinase; minus strand). Cytogenetic location: 7q34.
Variant type: single nucleotide variant.
Coding change: c.664T>A on transcript NM_004333.6 (MANE Select); coding-DNA position 664, T replaced by A.
Protein change: p.Leu222Met; replaces leucine 222 with methionine.
Molecular consequence: missense variant.
Genome position (GRCh38, 1-based): chr7:140,808,007, A>T on the plus strand (T>A on the coding strand, the complement: BRAF is on the minus strand). VCF-style: chr7-140808007-A-T. GRCh37 (hg19) VCF-style: chr7-140507807-A-T.
Other names: c.664T>A, p.Leu222Met (NM_001354609.2, NM_001374244.1, NM_001374258.1 and 4 more transcripts); c.673T>A, p.Leu225Met (NM_001378467.1); c.562T>A, p.Leu188Met (NM_001378470.1); c.508T>A, p.Leu170Met (NM_001378472.1, NM_001378473.1); c.400T>A, p.Leu134Met (NM_001378475.1); short protein forms L134M, L170M, L188M, L222M, L225M.
Identifiers: ClinVar variation 4808409 (VCV004808409.1).
Genomic context (GRCh38, chr7:140,808,007, plus strand): 5'-TAAAGATACATACAAAGTTGTGTGTTGTAAGTGGAACATTCTCCAACACTTCCACATGCA[A>T]TTCTTCTCCAGTAAGCCAGGAAATATCAGTGTCCCAACCAATTGGTTTCTTCTCTCTGAA-3'
Protein context (NP_004324.2, residues 212-232): TDISWLTGEE[Leu222Met]HVEVLENVPL

ClinVar aggregate classification (germline): Uncertain significance (1 of 4 stars; one submission).

Conditions:
RASopathy. Also called: rasopathies; Noonan spectrum disorder. Identifiers: Orphanet 536391, MedGen C5555857, MONDO:0021060.

Submission:

Labcorp Genetics (formerly Invitae), Labcorp
Classification: Uncertain significance for RASopathy. Last evaluated: 2025-05-05. Review status: criteria provided, single submitter. Criteria: Invitae Variant Classification Sherloc (09022015). Collection method: clinical testing. Allele origin: germline.
Comment: This sequence change replaces leucine, which is neutral and non-polar, with methionine, which is neutral and non-polar, at codon 222 of the BRAF protein (p.Leu222Met). This variant is not present in population databases (gnomAD no frequency). This variant has not been reported in the literature in individuals affected with BRAF-related conditions. Invitae Evidence Modeling of protein sequence and biophysical properties (such as structural, functional, and spatial information, amino acid conservation, physicochemical variation, residue mobility, and thermodynamic stability) indicates that this missense variant is expected to disrupt BRAF protein function with a positive predictive value of 95%. In summary, the available evidence is currently insufficient to determine the role of this variant in disease. Therefore, it has been classified as a Variant of Uncertain Significance.